The following is an entry in ClinVar:

ClinVar aggregate classification (germline): Uncertain significance. Review status: criteria provided, multiple submitters, no conflicts (2 of 4 stars). 2 submissions from 2 submitters: Uncertain significance (2). Last evaluated 2025-09-26.

Conditions:
Inborn genetic diseases. Identifiers: MedGen C0950123, MeSH D030342.

Allele frequency attached by ClinVar (database versions not stated): gnomAD exomes 0.00001; gnomAD 0.00002; TOPMed 0.00004.
gnomAD v4.1: 16 of 1,613,928 alleles (0.00099%); highest among the groups gnomAD compares: African/African-American, 0.0053%; no homozygotes.

Submissions (2):

Ambry Genetics
Classification: Uncertain significance for Inborn genetic diseases. Last evaluated: 2025-09-26. Review status: criteria provided, single submitter. Criteria: Ambry Variant Classification Scheme 2023. Collection method: clinical testing. Allele origin: germline.

Labcorp Genetics (formerly Invitae), Labcorp
Classification: Uncertain significance. Last evaluated: 2024-08-17. Review status: criteria provided, single submitter. Criteria: Invitae Variant Classification Sherloc (09022015). Collection method: clinical testing. Allele origin: germline.
Comment: This sequence change replaces arginine, which is basic and polar, with glutamine, which is neutral and polar, at codon 411 of the SLC16A1 protein (p.Arg411Gln). This variant is present in population databases (no rsID available, gnomAD 0.005%). This variant has not been reported in the literature in individuals affected with SLC16A1-related conditions. An algorithm developed to predict the effect of missense changes on protein structure and function (PolyPhen-2) suggests that this variant is likely to be tolerated. In summary, the available evidence is currently insufficient to determine the role of this variant in disease. Therefore, it has been classified as a Variant of Uncertain Significance.

NM_003051.4(SLC16A1):c.1232G>A (p.Arg411Gln)

Gene: SLC16A1 (solute carrier family 16 member 1; minus strand). Cytogenetic location: 1p13.2.
Variant type: single nucleotide variant.
Coding change: c.1232G>A on transcript NM_003051.4 (MANE Select); coding-DNA position 1232, G replaced by A.
Protein change: p.Arg411Gln; replaces arginine 411 with glutamine.
Molecular consequence: missense variant.
Genome position (GRCh38, 1-based): chr1:112,914,162, C>T on the plus strand (G>A on the coding strand, the complement: SLC16A1 is on the minus strand). VCF-style: chr1-112914162-C-T. GRCh37 (hg19) VCF-style: chr1-113456784-C-T.
Other names: c.1232G>A, p.Arg411Gln (NM_001166496.2); c.1232G>A (NM_003051.3); short protein forms R411Q.
Identifiers: ClinVar variation 3002758 (VCV003002758.4), dbSNP rs1308624795, ClinGen allele CA341827231.